The following is an entry in ClinVar:

ClinVar aggregate classification (germline): Uncertain significance (1 of 4 stars; one submission).

gnomAD v4.1: 2 of 1,614,008 alleles (0.00012%); highest among the groups gnomAD compares: Non-Finnish European, 0.00017%; no homozygotes.

Submission:

Ambry Genetics
Classification: Uncertain significance. Last evaluated: 2025-03-08. Review status: criteria provided, single submitter. Criteria: Ambry Variant Classification Scheme 2023. Collection method: clinical testing. Allele origin: germline.
Comment: The p.E511K variant (also known as c.1531G>A), located in coding exon 2 of the CDK12 gene, results from a G to A substitution at nucleotide position 1531. The glutamic acid at codon 511 is replaced by lysine, an amino acid with similar properties. This amino acid position is conserved. In addition, this alteration is predicted to be tolerated by in silico analysis. Based on the available evidence, the clinical significance of this variant remains unclear.

NM_016507.4(CDK12):c.1531G>A (p.Glu511Lys)

Gene: CDK12 (cyclin dependent kinase 12; plus strand). Cytogenetic location: 17q12.
Variant type: single nucleotide variant.
Coding change: c.1531G>A on transcript NM_016507.4 (MANE Select); coding-DNA position 1531, G replaced by A.
Protein change: p.Glu511Lys; replaces glutamic acid 511 with lysine.
Molecular consequence: missense variant.
Genome position (GRCh38, 1-based): chr17:39,471,363, G>A. VCF-style: chr17-39471363-G-A. GRCh37 (hg19) VCF-style: chr17-37627616-G-A.
Other names: c.1531G>A, p.Glu511Lys (NM_015083.4); short protein forms E511K.
Identifiers: ClinVar variation 3830775 (VCV003830775.1).
Genomic context (GRCh38, chr17:39,471,363, plus strand): 5'-CTTGTTAAAGATTTGAAAGCACAGGGAACAAGAGACTCTAAACCCATAGCACTGAAAGAG[G>A]AGATTGTTACTCCAAAGGAGACAGAAACATCAGAAAAGGAGACCCCTCCACCTCTTCCCA-3'
Protein context (NP_057591.2, residues 501-521): RDSKPIALKE[Glu511Lys]IVTPKETETS